The following is an entry in ClinVar:

NM_001399.5(EDA):c.329C>A (p.Ser110Ter)

Gene: EDA (ectodysplasin A; plus strand). Cytogenetic location: Xq13.1.
Variant type: single nucleotide variant.
Coding change: c.329C>A on transcript NM_001399.5 (MANE Select); coding-DNA position 329, C replaced by A.
Protein change: p.Ser110Ter; replaces serine 110 with a stop codon.
Molecular consequence: nonsense.
Genome position (GRCh38, 1-based): chrX:69,616,637, C>A. VCF-style: chrX-69616637-C-A. GRCh37 (hg19) VCF-style: chrX-68836481-C-A.
Other names: c.329C>A, p.Ser110Ter (NM_001005609.2, NM_001005610.4, NM_001005612.3 and 1 more transcripts); short protein forms S110*.
Identifiers: ClinVar variation 44191 (VCV000044191.4), dbSNP rs397516660, ClinGen allele CA261486.

ClinVar aggregate classification (germline): Pathogenic (1 of 4 stars; one submission).

Conditions:
Hypohidrotic X-linked ectodermal dysplasia (XHED). Also called: Anhidrotic ectodermal dysplasia X-linked; Christ Siemens Touraine syndrome; ECTODERMAL DYSPLASIA 1, HYPOHIDROTIC, X-LINKED; ECTODERMAL DYSPLASIA 1, HYPOHIDROTIC/HAIR/TOOTH TYPE, X-LINKED; ECTODERMAL DYSPLASIA, HYPOHIDROTIC, 1; CST SYNDROME. Identifiers: Orphanet 181, Orphanet 238468, MedGen C0162359, MONDO:0010585, OMIM 305100.

Submission:

Laboratory for Molecular Medicine, Mass General Brigham Personalized Medicine
Classification: Pathogenic for Hypohidrotic X-linked ectodermal dysplasia. Last evaluated: 2011-09-20. Review status: criteria provided, single submitter. Criteria: LMM Criteria. Collection method: clinical testing. Allele origin: germline. Inheritance: X-linked inheritance. Observed: 1 variant allele.
Comment: The Ser110X variant in EDA has not been reported in the literature nor previousl y identified by our laboratory. This variant leads to a premature stop codon at position 110, which is predicted to lead to a truncated or absent protein. Ther efore, it is highly likely that this variant is pathogenic.